The following is an entry in ClinVar:

ClinVar aggregate classification (germline): Uncertain significance (1 of 4 stars; one submission).

Conditions:
Autoimmune lymphoproliferative syndrome type 2B. Also called: AUTOIMMUNE LYMPHOPROLIFERATIVE SYNDROME, TYPE IIB. Identifiers: Orphanet 275517, MedGen C1846545, MONDO:0011804, OMIM 607271.

Allele frequency attached by ClinVar (database versions not stated): TOPMed 0.00005; gnomAD 0.00007; gnomAD exomes 0.00001; ExAC 0.00002; ESP Exome Variant Server 0.00008.
gnomAD v4.1: 17 of 1,613,888 alleles (0.0011%); highest among the groups gnomAD compares: Middle Eastern, 0.016%; no homozygotes.

Submission:

Baylor Genetics
Classification: Uncertain significance for Autoimmune lymphoproliferative syndrome type 2B. Last evaluated: 2019-12-13. Review status: criteria provided, single submitter. Criteria: ACMG Guidelines, 2015. Collection method: clinical testing. Allele origin: unknown. Affected: yes.
Comment: This variant was determined to be of uncertain significance according to ACMG Guidelines, 2015 [PMID:25741868].

NM_001228.5(CASP8):c.-26-8118G>A

Genes: CASP8 (caspase 8; plus strand), LOC128772255 (melanoma risk locus-associated MPRA allelic enhancer 2:202122995; plus strand), LOC129935411 (ATAC-STARR-seq lymphoblastoid active region 16988; plus strand). Cytogenetic location: 2q33.1.
Variant type: single nucleotide variant.
Coding change: c.-26-8118G>A on transcript NM_001228.5; 8118 bases into the intron before 26 bases upstream of the start codon, G replaced by A.
Molecular consequence: intron variant. On other transcripts: missense variant (3), 5 prime UTR variant (4), non-coding transcript variant (4).
Genome position (GRCh38, 1-based): chr2:201,258,343, G>A. VCF-style: chr2-201258343-G-A. GRCh37 (hg19) VCF-style: chr2-202123066-G-A.
Other names: c.112G>A, p.Asp38Asn (NM_001080125.2, NM_001400642.1, NM_001400665.1); c.-40G>A (NM_001400655.1, NM_001400662.1); c.-572G>A (NM_001400750.1, NM_001400751.1); c.-26-8118G>A (NM_001400651.1, NM_001400663.1, NM_001400648.1 and 2 more transcripts); c.1-8144G>A (NM_001400657.1, NM_001400660.1, NM_033355.4 and 1 more transcripts); c.-532-8144G>A (NM_001400677.1); c.-4-13173G>A (NM_001400669.1); c.-637-8118G>A (NM_001400680.1); and 3 more; short protein forms D38N.
Identifiers: ClinVar variation 1029014 (VCV001029014.3), dbSNP rs376887804, ClinGen allele CA2053405.